The following is an entry in ClinVar:

NM_000193.4(SHH):c.1284del (p.Thr429fs)

Gene: SHH (sonic hedgehog signaling molecule; minus strand). Cytogenetic location: 7q36.3.
Variant type: Deletion.
Coding change: c.1284del on transcript NM_000193.4 (MANE Select); coding-DNA position 1284, one base deleted (C; older notation c.1284delC).
Protein change: p.Thr429fs; shifts the reading frame from threonine 429.
Molecular consequence: frameshift variant. On other transcripts: intron variant (1).
Genome position (GRCh38, 1-based): chr7:155,803,005, G deleted on the plus strand (C on the coding strand, the reverse complement: SHH is on the minus strand); the first of 2 consecutive G bases (chr7:155,803,005-155,803,006); deleting either gives the same sequence. VCF-style (leftmost placement, unchanged base first): chr7-155803004-TG-T. GRCh37 (hg19) VCF-style: chr7-155595698-TG-T.
Other names: c.302-2760del (NM_001310462.2); c.1284delC (NM_000193.4); short protein forms T429fs.
Identifiers: ClinVar variation 374270 (VCV000374270.4), dbSNP rs1057518660, ClinGen allele CA16043664.

ClinVar aggregate classification (germline): Pathogenic. Review status: criteria provided, multiple submitters, no conflicts (2 of 4 stars). 3 submissions from 3 submitters: Pathogenic (2). 1 of the submissions does not count toward it. Last evaluated 2025-08-25.

Conditions:
SHH-related disorder. Also called: SHH-related condition; SHH-related disorders.
Holoprosencephaly 3 (HPE3). Identifiers: Orphanet 2162, MedGen C1840529, MONDO:0007733, OMIM 142945.

Submissions (3):

Daryl Scott Lab, Baylor College of Medicine
Classification: Pathogenic for SHH-related disorder. Last evaluated: 2025-08-25. Review status: criteria provided, single submitter. Criteria: ACMG Guidelines, 2015. Collection method: clinical testing. Allele origin: de novo. Affected: yes. Observed: 1 heterozygote.
Comment: PVS1, PS2, PM2

Dasa
Classification: Pathogenic. Last evaluated: 2024-06-26. Review status: criteria provided, single submitter. Criteria: DASA Assertion Criteria. Collection method: clinical testing. Allele origin: germline.
Comment: NM_000193.4(SHH):c.1284del (p.Thr429Profs*14) introduces a premature termination codon predicted to result in loss of normal protein function. Loss-of-function is an established mechanism of disease for this gene. This variant has been reported in individuals with related phenotype. De novo occurrence has been reported in an individual with related phenotype. The variant is present at low frequency in population datasets. Based on the available data, this variant is classified as pathogenic.

Baylor Genetics
Classification: Pathogenic for Holoprosencephaly 3. Last evaluated: 2014-05-15. Review status: no assertion criteria provided. Collection method: clinical testing. Allele origin: de novo. Inheritance: Autosomal dominant inheritance. Affected: yes. Observed: 1 variant allele, 1 heterozygote. Not counted in ClinVar's aggregate classification.